The following is an entry in ClinVar:

NM_002202.3(ISL1):c.880C>T (p.Leu294=)

Gene: ISL1 (ISL LIM homeobox 1; plus strand). Cytogenetic location: 5q11.1.
Variant type: single nucleotide variant.
Coding change: c.880C>T on transcript NM_002202.3 (MANE Select); coding-DNA position 880, C replaced by T.
Protein change: p.Leu294=; no amino-acid change (leucine 294 retained).
Molecular consequence: synonymous variant.
Genome position (GRCh38, 1-based): chr5:51,391,388, C>T. VCF-style: chr5-51391388-C-T. GRCh37 (hg19) VCF-style: chr5-50687222-C-T.
Identifiers: ClinVar variation 3356854 (VCV003356854.1).

ClinVar aggregate classification (germline): Likely benign (0 of 4 stars; one submission).

Conditions:
ISL1-related disorder. Also called: ISL1-related condition.

Submission:

PreventionGenetics, part of Exact Sciences
Classification: Likely benign for ISL1-related condition. Last evaluated: 2023-07-17. Review status: no assertion criteria provided. Collection method: clinical testing. Allele origin: germline.
Comment: This variant is classified as likely benign based on ACMG/AMP sequence variant interpretation guidelines (Richards et al. 2015 PMID: 25741868, with internal and published modifications).